The following is an entry in ClinVar:

NM_032888.4(COL27A1):c.1780C>T (p.Pro594Ser)

Gene: COL27A1 (collagen type XXVII alpha 1 chain; plus strand). Cytogenetic location: 9q32.
Variant type: single nucleotide variant.
Coding change: c.1780C>T on transcript NM_032888.4 (MANE Select); coding-DNA position 1780, C replaced by T.
Protein change: p.Pro594Ser; replaces proline 594 with serine.
Molecular consequence: missense variant.
Genome position (GRCh38, 1-based): chr9:114,169,335, C>T. VCF-style: chr9-114169335-C-T. GRCh37 (hg19) VCF-style: chr9-116931615-C-T.
Other names: short protein forms P594S.
Identifiers: ClinVar variation 2148750 (VCV002148750.4), dbSNP rs1849144360, ClinGen allele CA374595387.

ClinVar aggregate classification (germline): Uncertain significance (1 of 4 stars; one submission).

Allele frequency attached by ClinVar (database versions not stated): TOPMed below 0.00001; gnomAD exomes 0.00001.
gnomAD v4.1: 3 of 1,612,768 alleles (0.00019%); highest among the groups gnomAD compares: Admixed American, 0.005%; no homozygotes.

Submission:

Labcorp Genetics (formerly Invitae), Labcorp
Classification: Uncertain significance. Last evaluated: 2022-07-19. Review status: criteria provided, single submitter. Criteria: Invitae Variant Classification Sherloc (09022015). Collection method: clinical testing. Allele origin: germline.
Comment: In summary, the available evidence is currently insufficient to determine the role of this variant in disease. Therefore, it has been classified as a Variant of Uncertain Significance. Advanced modeling of protein sequence and biophysical properties (such as structural, functional, and spatial information, amino acid conservation, physicochemical variation, residue mobility, and thermodynamic stability) performed at Invitae indicates that this missense variant is not expected to disrupt COL27A1 protein function. This variant has not been reported in the literature in individuals affected with COL27A1-related conditions. This variant is not present in population databases (gnomAD no frequency). This sequence change replaces proline, which is neutral and non-polar, with serine, which is neutral and polar, at codon 594 of the COL27A1 protein (p.Pro594Ser).